The following is an entry in ClinVar:

NM_000751.3(CHRND):c.965T>C (p.Met322Thr)

Gene: CHRND (cholinergic receptor nicotinic delta subunit; plus strand). Cytogenetic location: 2q37.1.
Variant type: single nucleotide variant.
Coding change: c.965T>C on transcript NM_000751.3 (MANE Select); coding-DNA position 965, T replaced by C.
Protein change: p.Met322Thr; replaces methionine 322 with threonine.
Molecular consequence: missense variant.
Genome position (GRCh38, 1-based): chr2:232,531,574, T>C. VCF-style: chr2-232531574-T-C. GRCh37 (hg19) VCF-style: chr2-233396284-T-C.
Other names: c.920T>C, p.Met307Thr (NM_001256657.2); c.383T>C, p.Met128Thr (NM_001311195.2); c.662T>C, p.Met221Thr (NM_001311196.2); short protein forms M221T, M307T, M128T, M322T.
Identifiers: ClinVar variation 2348745 (VCV002348745.6), dbSNP rs769282027, ClinGen allele CA2168217.

ClinVar aggregate classification (germline): Uncertain significance. Review status: criteria provided, multiple submitters, no conflicts (2 of 4 stars). 3 submissions from 3 submitters: Uncertain significance (3). Last evaluated 2025-08-11.

Conditions:
Inborn genetic diseases. Identifiers: MedGen C0950123, MeSH D030342.
Lethal multiple pterygium syndrome (LMPS). Identifiers: Orphanet 33108, MedGen C1854678, MONDO:0009668, OMIM 253290.

Allele frequency attached by ClinVar (database versions not stated): ExAC 0.00001; gnomAD 0.00001; TOPMed 0.00002; gnomAD exomes 0.00003.

Submissions (3):

Labcorp Genetics (formerly Invitae), Labcorp
Classification: Uncertain significance for Lethal multiple pterygium syndrome. Last evaluated: 2025-08-11. Review status: criteria provided, single submitter. Criteria: Invitae Variant Classification Sherloc (09022015). Collection method: clinical testing. Allele origin: germline.
Comment: This sequence change replaces methionine, which is neutral and non-polar, with threonine, which is neutral and polar, at codon 322 of the CHRND protein (p.Met322Thr). This variant is present in population databases (rs769282027, gnomAD 0.002%). This variant has not been reported in the literature in individuals affected with CHRND-related conditions. ClinVar contains an entry for this variant (Variation ID: 2348745). Invitae Evidence Modeling of protein sequence and biophysical properties (such as structural, functional, and spatial information, amino acid conservation, physicochemical variation, residue mobility, and thermodynamic stability) indicates that this missense variant is not expected to disrupt CHRND protein function with a negative predictive value of 95%. In summary, the available evidence is currently insufficient to determine the role of this variant in disease. Therefore, it has been classified as a Variant of Uncertain Significance.

Ambry Genetics
Classification: Uncertain significance for Inborn genetic diseases. Last evaluated: 2025-05-13. Review status: criteria provided, single submitter. Criteria: Ambry Variant Classification Scheme 2023. Collection method: clinical testing. Allele origin: germline.

Revvity Omics, Revvity
Classification: Uncertain significance. Last evaluated: 2024-02-09. Review status: criteria provided, single submitter. Criteria: ACMG Guidelines, 2015. Collection method: clinical testing. Allele origin: germline.